The following is an entry in ClinVar:

NM_145046.5(CALR3):c.28G>A (p.Ala10Thr)

Gene: CALR3 (calreticulin 3; minus strand). Cytogenetic location: 19p13.11.
Variant type: single nucleotide variant.
Coding change: c.28G>A on transcript NM_145046.5 (MANE Select); coding-DNA position 28, G replaced by A.
Protein change: p.Ala10Thr; replaces alanine 10 with threonine.
Molecular consequence: missense variant.
Genome position (GRCh38, 1-based): chr19:16,496,102, C>T on the plus strand (G>A on the coding strand, the complement: CALR3 is on the minus strand). VCF-style: chr19-16496102-C-T. GRCh37 (hg19) VCF-style: chr19-16606913-C-T.
Other names: short protein forms A10T.
Identifiers: ClinVar variation 539146 (VCV000539146.11), dbSNP rs3810201, ClinGen allele CA9278543.
Genomic context (GRCh38, chr19:16,496,102, plus strand): 5'-CGTCTAGAAATTCCTCTTGGAAATAGACGGTAGCCAGCGCCACTCGCAGCATGCATATGG[C>T]CCAGAGCTGGACCAAAGCCCGGGCCATGGGGGTGTGCACTGCGCTTCCGGTCGCCGCCAC-3'
Protein context (NP_659483.2, residues 1-20): MARALVQLW[Ala10Thr]ICMLRVALAT

ClinVar aggregate classification (germline): Uncertain significance (1 of 4 stars; one submission).

Conditions:
Hypertrophic cardiomyopathy 19. Also called: Familial hypertrophic cardiomyopathy 19. Identifiers: MedGen CN077603, MONDO:0013476.

Allele frequency attached by ClinVar (database versions not stated): gnomAD 0.00001 and 0.00004; gnomAD exomes 0.00001 and 0.00006; ExAC 0.00002; TOPMed 0.00002.

Submission:

Labcorp Genetics (formerly Invitae), Labcorp
Classification: Uncertain significance for Hypertrophic cardiomyopathy 19. Last evaluated: 2023-10-13. Review status: criteria provided, single submitter. Criteria: Invitae Variant Classification Sherloc (09022015). Collection method: clinical testing. Allele origin: germline.
Comment: This sequence change replaces alanine, which is neutral and non-polar, with threonine, which is neutral and polar, at codon 10 of the CALR3 protein (p.Ala10Thr). The frequency data for this variant in the population databases is considered unreliable, as metrics indicate poor data quality at this position in the gnomAD database. This variant has not been reported in the literature in individuals affected with CALR3-related conditions. ClinVar contains an entry for this variant (Variation ID: 539146). Advanced modeling of protein sequence and biophysical properties (such as structural, functional, and spatial information, amino acid conservation, physicochemical variation, residue mobility, and thermodynamic stability) performed at Invitae indicates that this missense variant is not expected to disrupt CALR3 protein function. In summary, the available evidence is currently insufficient to determine the role of this variant in disease. Therefore, it has been classified as a Variant of Uncertain Significance.